The following is an entry in ClinVar:

ClinVar aggregate classification (germline): Likely benign. Review status: criteria provided, multiple submitters, no conflicts (2 of 4 stars). 2 submissions from 2 submitters: Likely benign (2). Last evaluated 2025-03-18.

Conditions:
GUCY2D-related disorder. Also called: GUCY2D-related condition.

gnomAD v4.1: 431 of 698,168 alleles (0.062%); highest among the groups gnomAD compares: Middle Eastern, 0.13%; no homozygotes.

Submissions (2):

PreventionGenetics, part of Exact Sciences
Classification: Likely benign for GUCY2D-related condition. Last evaluated: 2025-03-18. Review status: criteria provided, single submitter. Criteria: ACMG Guidelines, 2015. Collection method: clinical testing. Allele origin: germline.
Comment: This variant is classified as likely benign based on ACMG/AMP sequence variant interpretation guidelines (Richards et al. 2015 PMID: 25741868, with internal and published modifications).

Blueprint Genetics
Classification: Likely benign. Last evaluated: 2024-10-25. Review status: criteria provided, single submitter. Criteria: ACMG Guidelines, 2015. Collection method: clinical testing. Allele origin: germline.

NM_000180.4(GUCY2D):c.-9-127C>T

Gene: GUCY2D (guanylate cyclase 2D, retinal; plus strand). Cytogenetic location: 17p13.1.
Variant type: single nucleotide variant.
Coding change: c.-9-127C>T on transcript NM_000180.4 (MANE Select); 127 bases into the intron before 9 bases upstream of the start codon, C replaced by T.
Molecular consequence: intron variant.
Genome position (GRCh38, 1-based): chr17:8,002,912, C>T. VCF-style: chr17-8002912-C-T. GRCh37 (hg19) VCF-style: chr17-7906230-C-T.
Other names: c.-9-127C>T (NM_000180.3).
Identifiers: ClinVar variation 4933455 (VCV004933455.2).
Genomic context (GRCh38, chr17:8,002,912, plus strand): 5'-GGGGCGGCAGAAGGGGGCTTCGGGGCGGTGTCCTTGGCCCCAGTTAGTCTTCCCAGCCTC[C>T]GGAGGGGGCGGTAGCAGCAGAATCATCCCATGGGTTACTCGGGCTTGGAGAAACTCGGGG-3'